The following is an entry in ClinVar:

ClinVar aggregate classification (germline): Pathogenic (1 of 4 stars; one submission).

Submission:

Labcorp Genetics (formerly Invitae), Labcorp
Classification: Pathogenic. Last evaluated: 2024-01-11. Review status: criteria provided, single submitter. Criteria: Invitae Variant Classification Sherloc (09022015). Collection method: clinical testing. Allele origin: germline.
Comment: This sequence change creates a premature translational stop signal (p.Ala2558Leufs*36) in the TG gene. It is expected to result in an absent or disrupted protein product. Loss-of-function variants in TG are known to be pathogenic (PMID: 19837936, 23164529). This variant is present in population databases (rs768907494, gnomAD 0.0009%). This variant has not been reported in the literature in individuals affected with TG-related conditions. For these reasons, this variant has been classified as Pathogenic.

Literature cited by the submitters: PubMed 19837936; PubMed 23164529.

NM_003235.5(TG):c.7672del (p.Ala2558fs)

Gene: TG (thyroglobulin; plus strand). Cytogenetic location: 8q24.22.
Variant type: Deletion.
Coding change: c.7672del on transcript NM_003235.5 (MANE Select); coding-DNA position 7672, one base deleted (G; older notation c.7672delG).
Protein change: p.Ala2558fs; shifts the reading frame from alanine 2558.
Molecular consequence: frameshift variant.
Genome position (GRCh38, 1-based): chr8:133,113,521, G deleted; the last of 2 consecutive G bases (chr8:133,113,520-133,113,521); deleting either gives the same sequence. VCF-style (leftmost placement, unchanged base first): chr8-133113519-AG-A. GRCh37 (hg19) VCF-style: chr8-134125763-AG-A.
Other names: short protein forms A2558fs.
Identifiers: ClinVar variation 2874814 (VCV002874814.3), dbSNP rs768907494, ClinGen allele CA4885741.
Genomic context (GRCh38, chr8:133,113,519, plus strand): 5'-CAGCCTTTTACCAGGCACTGCAGAATTCTCTGGGTGGCGAGGACTCAGATGCCCGCGTCG[AG>A]GCTGCTGCTACATGGTATTACTCTCTGGAGCACTCCACGGATGACTATGCCTCCTTCTCC-3'